The following is an entry in ClinVar:

NM_002662.5(PLD1):c.1541C>T (p.Pro514Leu)

Gene: PLD1 (phospholipase D1; minus strand). Cytogenetic location: 3q26.31.
Variant type: single nucleotide variant.
Coding change: c.1541C>T on transcript NM_002662.5 (MANE Select); coding-DNA position 1541, C replaced by T.
Protein change: p.Pro514Leu; replaces proline 514 with leucine.
Molecular consequence: missense variant.
Genome position (GRCh38, 1-based): chr3:171,687,583, G>A on the plus strand (C>T on the coding strand, the complement: PLD1 is on the minus strand). VCF-style: chr3-171687583-G-A. GRCh37 (hg19) VCF-style: chr3-171405373-G-A.
Other names: p.Pro514Leu; c.1541C>T, p.Pro514Leu (NM_001130081.3); short protein forms P514L.
Identifiers: ClinVar variation 771356 (VCV000771356.12), dbSNP rs137972331, ClinGen allele CA2704563.

ClinVar aggregate classification (germline): Benign. Review status: criteria provided, multiple submitters, no conflicts (2 of 4 stars). 3 submissions from 3 submitters: Benign (3). Last evaluated 2026-01-21.

Allele frequency attached by ClinVar (database versions not stated): gnomAD exomes 0.00200 and 0.00786; gnomAD 0.00340 and 0.00379; ExAC 0.00627; TOPMed 0.00671; ESP Exome Variant Server 0.00015; 1000 Genomes Project 0.00998; 1000 Genomes Project 30x 0.01187.
gnomAD v4.1: 3,517 of 1,607,246 alleles (0.22%); highest among the groups gnomAD compares: Admixed American, 3.6%; 60 homozygotes.

Submissions (3):

Labcorp Genetics (formerly Invitae), Labcorp
Classification: Benign. Last evaluated: 2026-01-21. Review status: criteria provided, single submitter. Criteria: Invitae Variant Classification Sherloc (09022015). Collection method: clinical testing. Allele origin: germline.

Mayo Clinic Laboratories, Mayo Clinic
Classification: Benign. Last evaluated: 2025-07-31. Review status: criteria provided, single submitter. Criteria: ACMG Guidelines, 2015. Collection method: clinical testing. Allele origin: germline. Observed: 1 variant allele.
Comment: BS1, BS2, BP4_moderate

Breakthrough Genomics
Classification: Benign. Review status: criteria provided, single submitter. Criteria: ACMG Guidelines, 2015. Collection method: not provided. Allele origin: germline. Inheritance: Autosomal recessive inheritance. Affected: yes.